The following is an entry in ClinVar:

ClinVar aggregate classification (germline): Uncertain significance (1 of 4 stars; one submission).

Submission:

Labcorp Genetics (formerly Invitae), Labcorp
Classification: Uncertain significance. Last evaluated: 2020-11-26. Review status: criteria provided, single submitter. Criteria: Invitae Variant Classification Sherloc (09022015). Collection method: clinical testing. Allele origin: germline.
Comment: This variant is not present in population databases (ExAC no frequency). In summary, the available evidence is currently insufficient to determine the role of this variant in disease. Therefore, it has been classified as a Variant of Uncertain Significance. Algorithms developed to predict the effect of missense changes on protein structure and function (SIFT, PolyPhen-2, Align-GVGD) all suggest that this variant is likely to be tolerated, but these predictions have not been confirmed by published functional studies and their clinical significance is uncertain. This variant has not been reported in the literature in individuals with HPS6-related conditions. This sequence change replaces aspartic acid with asparagine at codon 654 of the HPS6 protein (p.Asp654Asn). The aspartic acid residue is weakly conserved and there is a small physicochemical difference between aspartic acid and asparagine.

NM_024747.6(HPS6):c.1960G>A (p.Asp654Asn)

Gene: HPS6 (HPS6 biogenesis of lysosomal organelles complex 2 subunit 3; plus strand). Cytogenetic location: 10q24.32.
Variant type: single nucleotide variant.
Coding change: c.1960G>A on transcript NM_024747.6 (MANE Select); coding-DNA position 1960, G replaced by A.
Protein change: p.Asp654Asn; replaces aspartic acid 654 with asparagine.
Molecular consequence: missense variant.
Genome position (GRCh38, 1-based): chr10:102,067,434, G>A. VCF-style: chr10-102067434-G-A. GRCh37 (hg19) VCF-style: chr10-103827191-G-A.
Other names: short protein forms D654N.
Identifiers: ClinVar variation 1468868 (VCV001468868.8), dbSNP rs2136335147, ClinGen allele CA377874233.